The following is an entry in ClinVar:

NM_001330311.2(DVL1):c.885C>G (p.Ile295Met)

Gene: DVL1 (dishevelled segment polarity protein 1; minus strand). Cytogenetic location: 1p36.33.
Variant type: single nucleotide variant.
Coding change: c.885C>G on transcript NM_001330311.2 (MANE Select); coding-DNA position 885, C replaced by G.
Protein change: p.Ile295Met; replaces isoleucine 295 with methionine.
Molecular consequence: missense variant.
Genome position (GRCh38, 1-based): chr1:1,340,062, G>C on the plus strand (C>G on the coding strand, the complement: DVL1 is on the minus strand). VCF-style: chr1-1340062-G-C. GRCh37 (hg19) VCF-style: chr1-1275442-G-C.
Other names: c.885C>G, p.Ile295Met (NM_004421.3); short protein forms I295M.
Identifiers: ClinVar variation 1986842 (VCV001986842.4), dbSNP rs148365797, ClinGen allele CA520374.

ClinVar aggregate classification (germline): Uncertain significance (1 of 4 stars; one submission).

Allele frequency attached by ClinVar (database versions not stated): ESP Exome Variant Server 0.00015.
gnomAD v4.1: 17 of 1,612,740 alleles (0.0011%); highest among the groups gnomAD compares: South Asian, 0.0066%; no homozygotes.

Submission:

Labcorp Genetics (formerly Invitae), Labcorp
Classification: Uncertain significance. Last evaluated: 2022-08-27. Review status: criteria provided, single submitter. Criteria: Invitae Variant Classification Sherloc (09022015). Collection method: clinical testing. Allele origin: germline.
Comment: In summary, the available evidence is currently insufficient to determine the role of this variant in disease. Therefore, it has been classified as a Variant of Uncertain Significance. Algorithms developed to predict the effect of missense changes on protein structure and function are either unavailable or do not agree on the potential impact of this missense change (SIFT: "Deleterious"; PolyPhen-2: "Probably Damaging"; Align-GVGD: "Class C0"). This variant has not been reported in the literature in individuals affected with DVL1-related conditions. This variant is present in population databases (rs148365797, gnomAD 0.02%), including at least one homozygous and/or hemizygous individual. This sequence change replaces isoleucine, which is neutral and non-polar, with methionine, which is neutral and non-polar, at codon 295 of the DVL1 protein (p.Ile295Met).